The following is an entry in ClinVar:

NM_006164.5(NFE2L2):c.1261C>T (p.Gln421Ter)

Gene: NFE2L2 (NFE2 like bZIP transcription factor 2; minus strand). Cytogenetic location: 2q31.2.
Variant type: single nucleotide variant.
Coding change: c.1261C>T on transcript NM_006164.5 (MANE Select); coding-DNA position 1261, C replaced by T.
Protein change: p.Gln421Ter; replaces glutamine 421 with a stop codon.
Molecular consequence: nonsense.
Genome position (GRCh38, 1-based): chr2:177,231,342, G>A on the plus strand (C>T on the coding strand, the complement: NFE2L2 is on the minus strand). VCF-style: chr2-177231342-G-A. GRCh37 (hg19) VCF-style: chr2-178096070-G-A.
Other names: c.1213C>T, p.Gln405Ter (NM_001145412.3, NM_001313900.1, NM_001313901.1); c.1192C>T, p.Gln398Ter (NM_001145413.3); c.1171C>T, p.Gln391Ter (NM_001313902.2); c.1042C>T, p.Gln348Ter (NM_001313903.2); c.961C>T, p.Gln321Ter (NM_001313904.1); short protein forms Q391*, Q398*, Q405*, Q421*, Q321*, Q348*.
Identifiers: ClinVar variation 2136106 (VCV002136106.1), dbSNP rs2468284657, ClinGen allele CA349371184.

ClinVar aggregate classification (germline): Uncertain significance (1 of 4 stars; one submission).

Submission:

GeneDx
Classification: Uncertain significance. Last evaluated: 2022-07-14. Review status: criteria provided, single submitter. Criteria: GeneDx Variant Classification Process June 2021. Collection method: clinical testing. Allele origin: germline. Affected: yes.
Comment: Not observed at significant frequency in large population cohorts (gnomAD); Nonsense variant predicted to result in protein truncation as the last 185 amino acids are lost, although loss-of-function variants have not been reported downstream of this position in the protein; Has not been previously published as pathogenic or benign to our knowledge